The following is an entry in ClinVar:

ClinVar aggregate classification (germline): Likely benign. Review status: criteria provided, multiple submitters, no conflicts (2 of 4 stars). 3 submissions from 3 submitters: Likely benign (3). Last evaluated 2026-07-01.

Conditions:
Hepatic veno-occlusive disease-immunodeficiency syndrome. Also called: Hepatic Veno-Occlusive Disease with Immunodeficiency. Identifiers: Orphanet 79124, MedGen C1856128, MONDO:0009338, OMIM 235550. Disease mechanism: loss of function.

Allele frequency attached by ClinVar (database versions not stated): gnomAD 0.00011 and 0.00012; TOPMed 0.00015; ESP Exome Variant Server 0.00023; ExAC 0.00025; gnomAD exomes 0.00025.
gnomAD v4.1: 380 of 1,614,198 alleles (0.024%); highest among the groups gnomAD compares: Admixed American, 0.068%; no homozygotes.

Submissions (3):

CeGaT Center for Human Genetics Tuebingen
Classification: Likely benign. Last evaluated: 2026-07-01. Review status: criteria provided, single submitter. Criteria: CeGaT Center For Human Genetics Tuebingen Variant Classification Criteria Version 2. Collection method: clinical testing. Allele origin: germline. Affected: yes. Observed: 1 variant allele.
Comment: SP110: BP4, BP7

Labcorp Genetics (formerly Invitae), Labcorp
Classification: Likely benign for Hepatic veno-occlusive disease-immunodeficiency syndrome. Last evaluated: 2026-01-24. Review status: criteria provided, single submitter. Criteria: Invitae Variant Classification Sherloc (09022015). Collection method: clinical testing. Allele origin: germline.

Blueprint Genetics
Classification: Likely benign. Last evaluated: 2024-11-26. Review status: criteria provided, single submitter. Criteria: ACMG Guidelines, 2015. Collection method: clinical testing. Allele origin: germline.

NM_080424.4(SP110):c.1974A>G (p.Ala658=)

Gene: SP110 (SP110 nuclear body protein; minus strand). Cytogenetic location: 2q37.1.
Variant type: single nucleotide variant.
Coding change: c.1974A>G on transcript NM_080424.4 (MANE Select); coding-DNA position 1974, A replaced by G.
Protein change: p.Ala658=; no amino-acid change (alanine 658 retained).
Molecular consequence: synonymous variant. On other transcripts: intron variant (1).
Genome position (GRCh38, 1-based): chr2:230,170,675, T>C on the plus strand (A>G on the coding strand, the complement: SP110 is on the minus strand). VCF-style: chr2-230170675-T-C. GRCh37 (hg19) VCF-style: chr2-231035391-T-C.
Other names: c.2070A>G, p.Ala690= (NM_001378442.1); c.2052A>G, p.Ala684= (NM_001378443.1); c.1992A>G, p.Ala664= (NM_001378444.1); c.1920A>G, p.Ala640= (NM_001378445.1); c.1902A>G, p.Ala634= (NM_004509.5); c.1833+1391A>G (NM_001378446.1).
Identifiers: ClinVar variation 710419 (VCV000710419.10), dbSNP rs200463093, ClinGen allele CA2154284.